The following is an entry in ClinVar:

ClinVar aggregate classification (germline): Benign/Likely benign. Review status: criteria provided, multiple submitters, no conflicts (2 of 4 stars). 2 submissions from 2 submitters: Benign (1); Likely benign (1). Last evaluated 2025-01-08.

Conditions:
Hereditary nonpolyposis colorectal neoplasms. Identifiers: MedGen C0009405, MeSH D003123.
Lynch syndrome 5 (LYNCH5). Also called: Colorectal cancer, hereditary nonpolyposis, type 5; Hereditary non-polyposis colorectal cancer, type 5. Identifiers: Orphanet 144, MedGen C1833477, MONDO:0013710, OMIM 614350. Disease mechanism: loss of function.

Submissions (2):

Myriad Genetics, Inc.
Classification: Benign for Lynch syndrome 5. Last evaluated: 2025-01-08. Review status: criteria provided, single submitter. Criteria: Myriad Autosomal Dominant, Autosomal Recessive and X-Linked Classification Criteria (2023). Collection method: clinical testing. Allele origin: unknown.
Comment: This variant is considered benign. This variant is a silent/synonymous amino acid change and it is not expected to impact splicing.

Labcorp Genetics (formerly Invitae), Labcorp
Classification: Likely benign for Hereditary nonpolyposis colorectal neoplasms. Last evaluated: 2024-10-16. Review status: criteria provided, single submitter. Criteria: Invitae Variant Classification Sherloc (09022015). Collection method: clinical testing. Allele origin: germline.

NM_000179.3(MSH6):c.3876A>T (p.Gly1292=)

Gene: MSH6 (mutS homolog 6; plus strand). Cytogenetic location: 2p16.3.
Variant type: single nucleotide variant.
Coding change: c.3876A>T on transcript NM_000179.3 (MANE Select); coding-DNA position 3876, A replaced by T.
Protein change: p.Gly1292=; no amino-acid change (glycine 1292 retained).
Molecular consequence: synonymous variant. On other transcripts: missense variant (1), non-coding transcript variant (5), intron variant (1).
Genome position (GRCh38, 1-based): chr2:47,806,526, A>T. VCF-style: chr2-47806526-A-T. GRCh37 (hg19) VCF-style: chr2-48033665-A-T.
Other names: c.3486A>T, p.Gly1162= (NM_001281492.2); c.2970A>T, p.Gly990= (NM_001281493.2, NM_001281494.2, NM_001406811.1 and 6 more transcripts); c.3972A>T, p.Gly1324= (NM_001406795.1); c.3876A>T, p.Gly1292= (NM_001406796.1, NM_001406808.1, NM_001406809.1); c.3579A>T, p.Gly1193= (NM_001406797.1, NM_001406801.1, NM_001406805.1 and 10 more transcripts); c.3702A>T, p.Gly1234= (NM_001406798.1); c.3351A>T, p.Gly1117= (NM_001406799.1, NM_001406806.1, NM_001406807.1); c.3863A>T, p.Glu1288Val (NM_001406800.1); and 9 more; short protein forms E1288V.
Identifiers: ClinVar variation 3722989 (VCV003722989.3).